The following is an entry in ClinVar:

NM_001330078.2(NRXN1):c.-883T>C

Gene: NRXN1 (neurexin 1; minus strand). Cytogenetic location: 2p16.3.
Variant type: single nucleotide variant.
Coding change: c.-883T>C on transcript NM_001330078.2 (MANE Select); 883 bases upstream of the start codon, T replaced by C.
Molecular consequence: 5 prime UTR variant.
Genome position (GRCh38, 1-based): chr2:51,029,156, A>G on the plus strand (T>C on the coding strand, the complement: NRXN1 is on the minus strand). VCF-style: chr2-51029156-A-G. GRCh37 (hg19) VCF-style: chr2-51256294-A-G.
Other names: c.-883T>C (NM_001330096.2, NM_004801.6, NM_001135659.3 and 15 more transcripts).
Identifiers: ClinVar variation 336574 (VCV000336574.7), dbSNP rs10188340, ClinGen allele CA10615564.

ClinVar aggregate classification (germline): Benign. Review status: criteria provided, multiple submitters, no conflicts (2 of 4 stars). 3 submissions from 3 submitters: Benign (3). Last evaluated 2018-06-14.

Conditions:
Pitt-Hopkins-like syndrome 2 (PTHSL2). Identifiers: Orphanet 221150, Orphanet 600663, MedGen C3280479, MONDO:0013690, OMIM 614325.

Allele frequency attached by ClinVar (database versions not stated): 1000 Genomes Project 0.02037; 1000 Genomes Project 30x 0.02139; TOPMed 0.03255; gnomAD 0.03559 and 0.03596.

Submissions (3):

GeneDx
Classification: Benign. Last evaluated: 2018-06-14. Review status: criteria provided, single submitter. Criteria: GeneDx Variant Classification (06012015). Collection method: clinical testing. Allele origin: germline. Affected: yes.
Comment: This variant is considered likely benign or benign based on one or more of the following criteria: it is a conservative change, it occurs at a poorly conserved position in the protein, it is predicted to be benign by multiple in silico algorithms, and/or has population frequency not consistent with disease.

Illumina Laboratory Services, Illumina
Classification: Benign for Pitt-Hopkins-like syndrome 2. Last evaluated: 2018-01-12. Review status: criteria provided, single submitter. Criteria: ICSL Variant Classification Criteria 13 December 2019. Collection method: clinical testing. Allele origin: germline.
Comment: This variant was observed in the ICSL laboratory as part of a predisposition screen in an ostensibly healthy population. It had not been previously curated by ICSL or reported in the Human Gene Mutation Database (HGMD: prior to June 1st, 2018), and was therefore a candidate for classification through an automated scoring system. Utilizing variant allele frequency, disease prevalence and penetrance estimates, and inheritance mode, an automated score was calculated to assess if this variant is too frequent to cause the disease. Based on the score and internal cut-off values, a variant classified as benign is not then subjected to further curation. The score for this variant resulted in a classification of benign for this disease.

Breakthrough Genomics
Classification: Benign. Review status: criteria provided, single submitter. Criteria: ACMG Guidelines, 2015. Collection method: not provided. Allele origin: germline. Inheritance: Autosomal recessive inheritance. Affected: yes.